The following is an entry in ClinVar:

NM_000124.4(ERCC6):c.3268C>G (p.Pro1090Ala)

Gene: ERCC6 (ERCC excision repair 6, chromatin remodeling factor; minus strand). Cytogenetic location: 10q11.23.
Variant type: single nucleotide variant.
Coding change: c.3268C>G on transcript NM_000124.4 (MANE Select); coding-DNA position 3268, C replaced by G.
Protein change: p.Pro1090Ala; replaces proline 1090 with alanine.
Molecular consequence: missense variant.
Genome position (GRCh38, 1-based): chr10:49,470,692, G>C on the plus strand (C>G on the coding strand, the complement: ERCC6 is on the minus strand). VCF-style: chr10-49470692-G-C. GRCh37 (hg19) VCF-style: chr10-50678738-G-C.
Other names: c.3268C>G, p.Pro1090Ala (NM_001346440.2); short protein forms P1090A.
Identifiers: ClinVar variation 4795538 (VCV004795538.1).

ClinVar aggregate classification (germline): Uncertain significance (1 of 4 stars; one submission).

gnomAD v4.1: 2 of 1,613,984 alleles (0.00012%); highest among the groups gnomAD compares: Admixed American, 0.0033%; no homozygotes.

Submission:

GeneDx
Classification: Uncertain significance. Last evaluated: 2025-08-11. Review status: criteria provided, single submitter. Criteria: GeneDx Variant Classification Process June 2021. Collection method: clinical testing. Allele origin: germline. Affected: yes.
Comment: In silico analysis suggests that this missense variant does not alter protein structure/function; Has not been previously published as pathogenic or benign to our knowledge